The following is an entry in ClinVar:

ClinVar aggregate classification (germline): Pathogenic (1 of 4 stars; one submission).

Submission:

GeneDx
Classification: Pathogenic. Last evaluated: 2024-04-25. Review status: criteria provided, single submitter. Criteria: GeneDx Variant Classification Process June 2021. Collection method: clinical testing. Allele origin: germline. Affected: yes.
Comment: Nonsense variant predicted to result in protein truncation or nonsense mediated decay in a gene for which loss-of-function is a known mechanism of disease; Not observed at significant frequency in large population cohorts (gnomAD); Has not been previously published as pathogenic or benign to our knowledge

NM_015215.4(CAMTA1):c.4614C>A (p.Tyr1538Ter)

Gene: CAMTA1 (calmodulin binding transcription activator 1; plus strand). Cytogenetic location: 1p36.23.
Variant type: single nucleotide variant.
Coding change: c.4614C>A on transcript NM_015215.4 (MANE Select); coding-DNA position 4614, C replaced by A.
Protein change: p.Tyr1538Ter; replaces tyrosine 1538 with a stop codon.
Molecular consequence: nonsense.
Genome position (GRCh38, 1-based): chr1:7,746,088, C>A. VCF-style: chr1-7746088-C-A. GRCh37 (hg19) VCF-style: chr1-7806148-C-A.
Other names: c.4524C>A, p.Tyr1508Ter (NM_001349608.2); c.4275C>A, p.Tyr1425Ter (NM_001349609.2, NM_001349610.2, NM_001410737.1); c.4185C>A, p.Tyr1395Ter (NM_001349612.2); c.1743C>A, p.Tyr581Ter (NM_001349613.1); c.1686C>A, p.Tyr562Ter (NM_001349614.1, NM_001349615.2, NM_001349616.2 and 2 more transcripts); c.1347C>A, p.Tyr449Ter (NM_001349619.2, NM_001349620.1, NM_001349621.1 and 5 more transcripts); c.4203C>A, p.Tyr1401Ter (NM_001410738.1); short protein forms Y1395*, Y1401*, Y1425*, Y1508*, Y1538*, Y449*, Y562*, Y581*.
Identifiers: ClinVar variation 3253493 (VCV003253493.1), dbSNP rs745738301.